The following is an entry in ClinVar:

ClinVar aggregate classification (germline): Pathogenic (1 of 4 stars; one submission).

Conditions:
Hereditary cancer-predisposing syndrome. Also called: Hereditary Cancer Syndrome; Neoplastic Syndromes, Hereditary; Hereditary neoplastic syndrome; Tumor predisposition. Identifiers: Orphanet 140162, MedGen C0027672, MeSH D009386, MONDO:0015356.

Submission:

Ambry Genetics
Classification: Pathogenic for Hereditary cancer-predisposing syndrome. Last evaluated: 2015-11-17. Review status: criteria provided, single submitter. Criteria: Ambry Variant Classification Scheme 2023. Collection method: clinical testing. Allele origin: germline.
Comment: The c.3896_3917dup22 pathogenic mutation, located in coding exon 9 of the MSH6 gene, results from a duplication of 22 nucleotides at position 3896, causing a translational frameshift with a predicted alternate stop codon. Since frameshifts are typically deleterious in nature, this alteration is interpreted as a disease-causing mutation (ACMG Recommendations for Standards for Interpretation and Reporting of Sequence Variations. Revision 2007. Genet Med. 2008;10:294).

NM_000179.3(MSH6):c.3896_3917dup (p.Ala1306_Asn1307insLeuTer)

Gene: MSH6 (mutS homolog 6; plus strand). Cytogenetic location: 2p16.3.
Variant type: Duplication.
Coding change: c.3896_3917dup on transcript NM_000179.3 (MANE Select); coding-DNA positions 3896 to 3917, 22 bases duplicated (GCTTTAATGCAGCAAGGCTTGC).
Protein change: p.Ala1306_Asn1307insLeuTer.
Molecular consequence: nonsense, inframe insertion.
Genome position (GRCh38, 1-based): chr2:47,806,546-47,806,567, GCTTTAATGCAGCAAGGCTTGC duplicated. VCF-style (leftmost placement, unchanged base first): chr2-47806545-G-GGCTTTAATGCAGCAAGGCTTGC. GRCh37 (hg19) VCF-style: chr2-48033684-G-GGCTTTAATGCAGCAAGGCTTGC.
Other names: c.3896_3917dupGCTTTAATGCAGCAAGGCTTGC (NM_000179.2); c.3506_3527dup, p.Ala1176_Asn1177insLeuTer (NM_001281492.2); c.2990_3011dup, p.Ala1004_Asn1005insLeuTer (NM_001281493.2, NM_001281494.2).
Identifiers: ClinVar variation 428399 (VCV000428399.5), dbSNP rs1553333540, ClinGen allele CA645369295.